The following is an entry in ClinVar:

ClinVar aggregate classification (germline): Uncertain significance (1 of 4 stars; one submission).

gnomAD v4.1: 5 of 1,610,758 alleles (0.00031%); highest among the groups gnomAD compares: East Asian, 0.0022%; no homozygotes.

Submission:

Labcorp Genetics (formerly Invitae), Labcorp
Classification: Uncertain significance. Last evaluated: 2026-01-02. Review status: criteria provided, single submitter. Criteria: Invitae Variant Classification Sherloc (09022015). Collection method: clinical testing. Allele origin: germline.
Comment: This sequence change replaces arginine, which is basic and polar, with cysteine, which is neutral and slightly polar, at codon 1306 of the COL7A1 protein (p.Arg1306Cys). This variant is present in population databases (rs775397461, gnomAD 0.002%). This variant has not been reported in the literature in individuals affected with COL7A1-related conditions. ClinVar contains an entry for this variant (Variation ID: 1426397). Invitae Evidence Modeling of protein sequence and biophysical properties (such as structural, functional, and spatial information, amino acid conservation, physicochemical variation, residue mobility, and thermodynamic stability) indicates that this missense variant is not expected to disrupt COL7A1 protein function with a negative predictive value of 95%. In summary, the available evidence is currently insufficient to determine the role of this variant in disease. Therefore, it has been classified as a Variant of Uncertain Significance.

NM_000094.4(COL7A1):c.3916C>T (p.Arg1306Cys)

Gene: COL7A1 (collagen type VII alpha 1 chain; minus strand). Cytogenetic location: 3p21.31.
Variant type: single nucleotide variant.
Coding change: c.3916C>T on transcript NM_000094.4 (MANE Select); coding-DNA position 3916, C replaced by T.
Protein change: p.Arg1306Cys; replaces arginine 1306 with cysteine.
Molecular consequence: missense variant.
Genome position (GRCh38, 1-based): chr3:48,585,095, G>A on the plus strand (C>T on the coding strand, the complement: COL7A1 is on the minus strand). VCF-style: chr3-48585095-G-A. GRCh37 (hg19) VCF-style: chr3-48622528-G-A.
Other names: short protein forms R1306C.
Identifiers: ClinVar variation 1426397 (VCV001426397.7), dbSNP rs775397461, ClinGen allele CA2380330.
Genomic context (GRCh38, chr3:48,585,095, plus strand): 5'-CCTTTAGGCCAGGGGCTCCAGGGGTCCCAGGATTCCCGGCGCGGCCAGGGCTGCCTGGAC[G>A]CCCATCTGCTCCAGGGAAGCCCTGAGGAGGTGAAGAGGTCAGGACAGGAAGGGACCCTCC-3'
Protein context (NP_000085.1, residues 1296-1316): GERGFPGADG[Arg1306Cys]PGSPGRAGNP